The following is an entry in ClinVar:

NM_174905.4(TSLIG3C):c.844C>T (p.Arg282Ter)

Gene: TSLIG3C (tRNA splicing ligase complex subunit 3C; plus strand). Cytogenetic location: 19q13.2.
Variant type: single nucleotide variant.
Coding change: c.844C>T on transcript NM_174905.4 (MANE Select); coding-DNA position 844, C replaced by T.
Protein change: p.Arg282Ter; replaces arginine 282 with a stop codon.
Molecular consequence: nonsense. On other transcripts: intron variant (1).
Genome position (GRCh38, 1-based): chr19:38,407,003, C>T. VCF-style: chr19-38407003-C-T. GRCh37 (hg19) VCF-style: chr19-38897643-C-T.
Other names: c.672+1368C>T (NM_001351675.1); short protein forms R282*.
Identifiers: ClinVar variation 266079 (VCV000266079.4), dbSNP rs201037487, ClinGen allele CA9415017.

ClinVar aggregate classification (germline): Likely pathogenic. Review status: no assertion criteria provided (0 of 4 stars). 2 submissions from 2 submitters: Likely pathogenic (2). Last evaluated 2023-07-28.

Conditions:
Autism spectrum disorder. Also called: Autism spectrum disorders. Identifiers: MedGen C1510586, MeSH D000067877, MONDO:0005258.
Asphyxiating thoracic dystrophy 3. Also called: Short rib polydactyly syndrome 2B; Saldino-Noonan Syndrome; SHORT-RIB THORACIC DYSPLASIA 3 WITH OR WITHOUT POLYDACTYLY; POLYDACTYLY WITH NEONATAL CHONDRODYSTROPHY, TYPE I; SHORT-RIB THORACIC DYSPLASIA 3/6 WITH POLYDACTYLY, DIGENIC. Identifiers: Orphanet 474, Orphanet 93269, Orphanet 93270, Orphanet 93271, MedGen C0036069, MONDO:0013127, OMIM 613091.

Allele frequency attached by ClinVar (database versions not stated): gnomAD 0.00004 and 0.00008; ExAC 0.00017; TOPMed 0.00003; 1000 Genomes Project 30x 0.00078; 1000 Genomes Project 0.00100.

Submissions (2):

Gene Friend Way, National Innovation Center
Classification: Likely pathogenic for Autism spectrum disorder. Last evaluated: 2023-07-28. Review status: no assertion criteria provided. Collection method: clinical testing. Allele origin: unknown. Affected: yes. Observed: 2 variant alleles.
Comment: Loss of function mutation. FAM98C has been identified as ASD-risk gene (PMID: 31398340).

Genomic Medicine Center of Excellence, King Faisal Specialist Hospital and Research Centre
Classification: Likely pathogenic for Short-rib thoracic dysplasia. Review status: no assertion criteria provided. Collection method: research. Allele origin: germline. Affected: yes. Observed: 2 homozygotes. Clinical features observed: Narrow chest, dysmorphic facies, prominent occiput, short extremities, polydactyly, nail hypoplasia.
Comment: Loss of function, autozygosity mapping, the only segregating variant in exome.